The following is an entry in ClinVar:

ClinVar aggregate classification (germline): Uncertain significance (1 of 4 stars; one submission).

Allele frequency attached by ClinVar (database versions not stated): gnomAD exomes below 0.00001.
gnomAD v4.1: 2 of 1,209,282 alleles (0.00017%); highest among the groups gnomAD compares: Non-Finnish European, 0.00022%; no homozygotes.

Submission:

Mayo Clinic Laboratories, Mayo Clinic
Classification: Uncertain significance. Last evaluated: 2022-10-13. Review status: criteria provided, single submitter. Criteria: ACMG Guidelines, 2015. Collection method: clinical testing. Allele origin: germline. Observed: 1 variant allele.
Comment: PM2

NM_001278116.2(L1CAM):c.20A>G (p.Tyr7Cys)

Gene: L1CAM (L1 cell adhesion molecule; minus strand). Cytogenetic location: Xq28.
Variant type: single nucleotide variant.
Coding change: c.20A>G on transcript NM_001278116.2 (MANE Select); coding-DNA position 20, A replaced by G.
Protein change: p.Tyr7Cys; replaces tyrosine 7 with cysteine.
Molecular consequence: missense variant.
Genome position (GRCh38, 1-based): chrX:153,875,817, T>C on the plus strand (A>G on the coding strand, the complement: L1CAM is on the minus strand). VCF-style: chrX-153875817-T-C. GRCh37 (hg19) VCF-style: chrX-153141272-T-C.
Other names: p.Tyr7Cys; c.20A>G, p.Tyr7Cys (NM_000425.5, NM_001143963.2, NM_024003.3); short protein forms Y7C.
Identifiers: ClinVar variation 2683597 (VCV002683597.1), dbSNP rs2148502578, ClinGen allele CA415143186.